The following is an entry in ClinVar:

ClinVar aggregate classification (germline): Pathogenic (0 of 4 stars; one submission).

Conditions:
Fanconi anemia complementation group B (FANCB). Also called: FANCB-Related Fanconi Anemia; FANCONI PANCYTOPENIA, TYPE 2. Identifiers: Orphanet 84, MedGen C1845292, MONDO:0010351, OMIM 300514.

Submission:

Leiden Open Variation Database
Classification: Pathogenic for Fanconi anemia complementation group B. Last evaluated: 2020-02-28. Review status: no assertion criteria provided. Collection method: curation. Allele origin: germline. Affected: yes.
Comment: Curator: Arleen D. Auerbach. Submitter to LOVD: Arleen D. Auerbach. Comment: Variant observed de novo.

NM_001018113.3(FANCB):c.128T>C (p.Leu43Ser)

Gene: FANCB (FA complementation group B; minus strand). Cytogenetic location: Xp22.2.
Variant type: single nucleotide variant.
Coding change: c.128T>C on transcript NM_001018113.3 (MANE Select); coding-DNA position 128, T replaced by C.
Protein change: p.Leu43Ser; replaces leucine 43 with serine.
Molecular consequence: missense variant. On other transcripts: non-coding transcript variant (1).
Genome position (GRCh38, 1-based): chrX:14,865,383, A>G on the plus strand (T>C on the coding strand, the complement: FANCB is on the minus strand). VCF-style: chrX-14865383-A-G. GRCh37 (hg19) VCF-style: chrX-14883505-A-G.
Other names: c.128T>C, p.Leu43Ser (NM_001324162.2, NM_152633.4); short protein forms L43S.
Identifiers: ClinVar variation 691298 (VCV000691298.2), dbSNP rs1602006737, ClinGen allele CA412445224.